The following is an entry in ClinVar:

ClinVar aggregate classification (germline): Uncertain significance (0 of 4 stars; one submission).

Conditions:
NCOA1-related disorder. Also called: NCOA1-related condition.

gnomAD v4.1: 2 of 1,614,072 alleles (0.00012%); highest among the groups gnomAD compares: African/African-American, 0.0027%; no homozygotes.

Submission:

PreventionGenetics, part of Exact Sciences
Classification: Uncertain significance for NCOA1-related condition. Last evaluated: 2023-10-18. Review status: no assertion criteria provided. Collection method: clinical testing. Allele origin: germline.
Comment: The NCOA1 c.1918A>G variant is predicted to result in the amino acid substitution p.Thr640Ala. To our knowledge, this variant has not been reported in the literature or in a large population database, indicating this variant is rare. At this time, the clinical significance of this variant is uncertain due to the absence of conclusive functional and genetic evidence.

NM_003743.5(NCOA1):c.1918A>G (p.Thr640Ala)

Gene: NCOA1 (nuclear receptor coactivator 1; plus strand). Cytogenetic location: 2p23.3.
Variant type: single nucleotide variant.
Coding change: c.1918A>G on transcript NM_003743.5 (MANE Select); coding-DNA position 1918, A replaced by G.
Protein change: p.Thr640Ala; replaces threonine 640 with alanine.
Molecular consequence: missense variant.
Genome position (GRCh38, 1-based): chr2:24,707,388, A>G. VCF-style: chr2-24707388-A-G. GRCh37 (hg19) VCF-style: chr2-24930257-A-G.
Other names: c.1918A>G, p.Thr640Ala (NM_001362950.1, NM_001362952.1, NM_001362954.1 and 3 more transcripts); short protein forms T640A.
Identifiers: ClinVar variation 3349902 (VCV003349902.1).